The following is an entry in ClinVar:

ClinVar aggregate classification (germline): Pathogenic. Review status: criteria provided, multiple submitters, no conflicts (2 of 4 stars). 2 submissions from 2 submitters: Pathogenic (2). Last evaluated 2016-12-13.

Conditions:
Hereditary breast ovarian cancer syndrome. Also called: Breast and ovarian cancer; Hereditary breast and ovarian cancer; Hereditary breast and ovarian cancer syndrome; Hereditary breast and/or ovarian cancer syndrome; BRCA1- and BRCA2-Associated Hereditary Breast and Ovarian Cancer; Hereditary breast and ovarian cancer syndrome (HBOC). Identifiers: Orphanet 145, MedGen C0677776, MeSH D061325, MONDO:0003582. Disease mechanism: loss of function.
Breast-ovarian cancer, familial, susceptibility to, 1 (BROVCA1). Also called: BRCA1 Hereditary Breast and Ovarian Cancer; OVARIAN CANCER, SUSCEPTIBILITY TO. Identifiers: Orphanet 145, MedGen C2676676, MONDO:0011450, OMIM 604370. Disease mechanism: loss of function.

Submissions (2):

Labcorp Genetics (formerly Invitae), Labcorp
Classification: Pathogenic for Hereditary breast ovarian cancer syndrome. Last evaluated: 2016-12-13. Review status: criteria provided, single submitter. Criteria: Invitae Variant Classification Sherloc (09022015). Collection method: clinical testing. Allele origin: germline.
Comment: This variant is a gross deletion of the genomic region encompassing exons 16-18 of the BRCA1 gene. This leads to an in-frame deletion, preserving the integrity of the reading frame. Deletion of exons 16-18 have been reported in the literature in individuals affected with breast and ovarian cancer (PMID: 18097605, 18546071, 10978226, 23704984). This variant is also known as deletion of exons 17-19 in the literature. This deletion results in the loss of 69 amino acid residues located in the BRCT1 domain of the BRCA1 protein. This domain is essential for BRCA1 protein-protein interactions (PMID: 15133502). For these reasons, this variant has been classified as Pathogenic.

Consortium of Investigators of Modifiers of BRCA1/2 (CIMBA), c/o University of Cambridge
Classification: Pathogenic for Breast-ovarian cancer, familial, susceptibility to, 1. Last evaluated: 2015-10-02. Review status: criteria provided, single submitter. Criteria: CIMBA Mutation Classification guidelines May 2016. Collection method: clinical testing. Allele origin: germline.

NM_007294.3(BRCA1):c.4987-?_5193+?del

Gene: BRCA1 (BRCA1 DNA repair associated; minus strand). Cytogenetic location: 17q21.31.
Variant type: Deletion.
Coding change: c.4987-?_5193+?del on transcript NM_007294.3.
Other names: c.4987-?_5193+?del (LRG_292t1).
Identifiers: ClinVar variation 216004 (VCV000216004.3).